The following is an entry in ClinVar:

NM_014956.5(CEP164):c.2494-9C>T

Gene: CEP164 (centrosomal protein 164; plus strand). Cytogenetic location: 11q23.3.
Variant type: single nucleotide variant.
Coding change: c.2494-9C>T on transcript NM_014956.5 (MANE Select); 9 bases into the intron before coding-DNA position 2494, C replaced by T.
Molecular consequence: intron variant.
Genome position (GRCh38, 1-based): chr11:117,392,995, C>T. VCF-style: chr11-117392995-C-T. GRCh37 (hg19) VCF-style: chr11-117263711-C-T.
Other names: c.2503-9C>T (NM_001271933.2); c.2494-9C>T (NM_014956.4).
Identifiers: ClinVar variation 1102018 (VCV001102018.11), dbSNP rs373873905, ClinGen allele CA6295105.

ClinVar aggregate classification (germline): Likely benign. Review status: criteria provided, multiple submitters, no conflicts (2 of 4 stars). 3 submissions from 3 submitters: Likely benign (2). 1 of the submissions does not count toward it. Last evaluated 2026-01-02.

Conditions:
CEP164-related disorder. Also called: CEP164-related condition.
Nephronophthisis 15 (NPHP15). Identifiers: Orphanet 3156, MedGen C3541853, MONDO:0013917, OMIM 614845.

Allele frequency attached by ClinVar (database versions not stated): gnomAD 0.00004; TOPMed 0.00004; ESP Exome Variant Server 0.00008.
gnomAD v4.1: 55 of 1,612,574 alleles (0.0034%); highest among the groups gnomAD compares: Admixed American, 0.0067%; no homozygotes.

Submissions (3):

Labcorp Genetics (formerly Invitae), Labcorp
Classification: Likely benign for Nephronophthisis 15. Last evaluated: 2026-01-02. Review status: criteria provided, single submitter. Criteria: Invitae Variant Classification Sherloc (09022015). Collection method: clinical testing. Allele origin: germline.

Blueprint Genetics
Classification: Likely benign. Last evaluated: 2024-10-23. Review status: criteria provided, single submitter. Criteria: ACMG Guidelines, 2015. Collection method: clinical testing. Allele origin: germline.

PreventionGenetics, part of Exact Sciences
Classification: Likely benign for CEP164-related condition. Last evaluated: 2024-08-23. Review status: no assertion criteria provided. Collection method: clinical testing. Allele origin: germline. Not counted in ClinVar's aggregate classification.
Comment: This variant is classified as likely benign based on ACMG/AMP sequence variant interpretation guidelines (Richards et al. 2015 PMID: 25741868, with internal and published modifications).